The following is an entry in ClinVar:

ClinVar aggregate classification (germline): Uncertain significance. Review status: criteria provided, multiple submitters, no conflicts (2 of 4 stars). 3 submissions from 3 submitters: Uncertain significance (3). Last evaluated 2026-06-01.

Conditions:
Inborn genetic diseases. Identifiers: MedGen C0950123, MeSH D030342.

Allele frequency attached by ClinVar (database versions not stated): gnomAD exomes 0.00009 and 0.00005; TOPMed 0.00001; gnomAD 0.00002; ExAC 0.00011; 1000 Genomes Project 30x 0.00016; 1000 Genomes Project 0.00020.
gnomAD v4.1: 71 of 1,614,102 alleles (0.0044%); highest among the groups gnomAD compares: South Asian, 0.064%; no homozygotes.

Submissions (3):

CeGaT Center for Human Genetics Tuebingen
Classification: Uncertain significance. Last evaluated: 2026-06-01. Review status: criteria provided, single submitter. Criteria: CeGaT Center For Human Genetics Tuebingen Variant Classification Criteria Version 2. Collection method: clinical testing. Allele origin: germline. Affected: yes. Observed: 1 variant allele.
Comment: SLC18A2: PM2

Ambry Genetics
Classification: Uncertain significance for Inborn genetic diseases. Last evaluated: 2025-05-19. Review status: criteria provided, single submitter. Criteria: Ambry Variant Classification Scheme 2023. Collection method: clinical testing. Allele origin: germline.

Labcorp Genetics (formerly Invitae), Labcorp
Classification: Uncertain significance. Last evaluated: 2021-12-02. Review status: criteria provided, single submitter. Criteria: Invitae Variant Classification Sherloc (09022015). Collection method: clinical testing. Allele origin: germline.
Comment: This sequence change replaces serine, which is neutral and polar, with cysteine, which is neutral and slightly polar, at codon 273 of the SLC18A2 protein (p.Ser273Cys). This variant is present in population databases (rs557833597, gnomAD 0.06%). This variant has not been reported in the literature in individuals affected with SLC18A2-related conditions. Algorithms developed to predict the effect of missense changes on protein structure and function are either unavailable or do not agree on the potential impact of this missense change (SIFT: "Deleterious"; PolyPhen-2: "Probably Damaging"; Align-GVGD: "Class C0"). In summary, the available evidence is currently insufficient to determine the role of this variant in disease. Therefore, it has been classified as a Variant of Uncertain Significance.

NM_003054.6(SLC18A2):c.818C>G (p.Ser273Cys)

Gene: SLC18A2 (solute carrier family 18 member A2; plus strand). Cytogenetic location: 10q25.3.
Variant type: single nucleotide variant.
Coding change: c.818C>G on transcript NM_003054.6 (MANE Select); coding-DNA position 818, C replaced by G.
Protein change: p.Ser273Cys; replaces serine 273 with cysteine.
Molecular consequence: missense variant.
Genome position (GRCh38, 1-based): chr10:117,255,506, C>G. VCF-style: chr10-117255506-C-G. GRCh37 (hg19) VCF-style: chr10-119015017-C-G.
Other names: c.818C>G (NM_003054.4); short protein forms S273C.
Identifiers: ClinVar variation 1402349 (VCV001402349.6), dbSNP rs557833597, ClinGen allele CA5710447.